The following is an entry in ClinVar:

NM_000170.3(GLDC):c.13G>T (p.Ala5Ser)

Gene: GLDC (glycine decarboxylase; minus strand). Cytogenetic location: 9p24.1.
Variant type: single nucleotide variant.
Coding change: c.13G>T on transcript NM_000170.3 (MANE Select); coding-DNA position 13, G replaced by T.
Protein change: p.Ala5Ser; replaces alanine 5 with serine.
Molecular consequence: missense variant.
Genome position (GRCh38, 1-based): chr9:6,645,487, C>A on the plus strand (G>T on the coding strand, the complement: GLDC is on the minus strand). VCF-style: chr9-6645487-C-A. GRCh37 (hg19) VCF-style: chr9-6645487-C-A.
Other names: short protein forms A5S.
Identifiers: ClinVar variation 1907149 (VCV001907149.4), dbSNP rs1358259956, ClinGen allele CA372887632.
Genomic context (GRCh38, chr9:6,645,487, plus strand): 5'-CCCCAGCCAGGCGGCGGCCGCCCCCGACCCCGCGGCCCAGGCGCAGCCCCCACGCCCTGG[C>A]ACAGGACTGCATGGCCGCGGCCACCGTCCCCTGCCCCGGCCCGCAAGGGTCAGCCGCGCT-3'
Protein context (NP_000161.2, residues 1-15): MQSC[Ala5Ser]RAWGLRLGRG

ClinVar aggregate classification (germline): Uncertain significance (1 of 4 stars; one submission).

Conditions:
Glycine encephalopathy. Also called: Non-ketotic hyperglycinemia; Nonketotic hyperglycinemia. Identifiers: Orphanet 407, MedGen C0751748, MONDO:0011612, HP:0008288.

Submission:

Labcorp Genetics (formerly Invitae), Labcorp
Classification: Uncertain significance for Glycine encephalopathy. Last evaluated: 2024-10-29. Review status: criteria provided, single submitter. Criteria: Invitae Variant Classification Sherloc (09022015). Collection method: clinical testing. Allele origin: germline.
Comment: This sequence change replaces alanine, which is neutral and non-polar, with serine, which is neutral and polar, at codon 5 of the GLDC protein (p.Ala5Ser). This variant is not present in population databases (gnomAD no frequency). This variant has not been reported in the literature in individuals affected with GLDC-related conditions. ClinVar contains an entry for this variant (Variation ID: 1907149). Invitae Evidence Modeling of protein sequence and biophysical properties (such as structural, functional, and spatial information, amino acid conservation, physicochemical variation, residue mobility, and thermodynamic stability) indicates that this missense variant is not expected to disrupt GLDC protein function with a negative predictive value of 80%. In summary, the available evidence is currently insufficient to determine the role of this variant in disease. Therefore, it has been classified as a Variant of Uncertain Significance.